The following is an entry in ClinVar:

ClinVar aggregate classification (germline): Pathogenic (1 of 4 stars; one submission).

Conditions:
Gorlin syndrome. Also called: Basal cell nevus syndrome; Nevoid Basal Cell Carcinoma Syndrome. Identifiers: Orphanet 377, MedGen C0004779, MONDO:0007187.

Submission:

Labcorp Genetics (formerly Invitae), Labcorp
Classification: Pathogenic for Gorlin syndrome. Last evaluated: 2024-09-06. Review status: criteria provided, single submitter. Criteria: Invitae Variant Classification Sherloc (09022015). Collection method: clinical testing. Allele origin: germline.
Comment: This sequence change affects a donor splice site in intron 7 of the PTCH1 gene. RNA analysis indicates that disruption of this splice site induces altered splicing and may result in an absent or altered protein product. This variant is not present in population databases (gnomAD no frequency). Disruption of this splice site has been observed in individuals with basal cell nevus syndrome (PMID: 19521425; internal data). ClinVar contains an entry for this variant (Variation ID: 1075009). Studies have shown that disruption of this splice site results in activation of a cryptic donor splice site in exon 7, and produces a non-functional protein and/or introduces a premature termination codon (PMID: 19521425). For these reasons, this variant has been classified as Pathogenic.

Literature cited by the submitters: PubMed 19521425.

NM_000264.5(PTCH1):c.1067+1G>T

Gene: PTCH1 (patched 1; minus strand). Cytogenetic location: 9q22.32.
Variant type: single nucleotide variant.
Coding change: c.1067+1G>T on transcript NM_000264.5 (MANE Select); the canonical splice donor site of the intron after coding-DNA position 1067, G replaced by T.
Molecular consequence: splice donor variant.
Genome position (GRCh38, 1-based): chr9:95,479,968, C>A on the plus strand (G>T on the coding strand, the complement: PTCH1 is on the minus strand). VCF-style: chr9-95479968-C-A. GRCh37 (hg19) VCF-style: chr9-98242250-C-A.
Other names: c.1064+1G>T (NM_001083603.3); c.869+1G>T (NM_001083602.3); c.1067+1G>T (NM_001354918.2); c.614+1G>T (NM_001083605.3, NM_001083604.3, NM_001083606.3 and 1 more transcripts).
Identifiers: ClinVar variation 1075009 (VCV001075009.9), dbSNP rs2118387075, ClinGen allele CA374119553.